The following is an entry in ClinVar:

ClinVar aggregate classification (germline): Benign/Likely benign. Review status: criteria provided, multiple submitters, no conflicts (2 of 4 stars). 3 submissions from 3 submitters: Benign (1); Likely benign (1). 1 of the submissions does not count toward it. Last evaluated 2026-01-21.

Conditions:
TMC8-related disorder. Also called: TMC8-related condition.
Epidermodysplasia verruciformis. Identifiers: Orphanet 302, MedGen C0014522, MONDO:0009176.

Allele frequency attached by ClinVar (database versions not stated): 1000 Genomes Project 30x 0.00062; 1000 Genomes Project 0.00080; TOPMed 0.00107; ESP Exome Variant Server 0.00138; ExAC 0.00162; gnomAD exomes 0.00188 and 0.00190; gnomAD 0.00195 and 0.00200.

Submissions (3):

Labcorp Genetics (formerly Invitae), Labcorp
Classification: Benign for Epidermodysplasia verruciformis. Last evaluated: 2026-01-21. Review status: criteria provided, single submitter. Criteria: Invitae Variant Classification Sherloc (09022015). Collection method: clinical testing. Allele origin: germline.

Blueprint Genetics
Classification: Likely benign. Last evaluated: 2024-11-19. Review status: criteria provided, single submitter. Criteria: ACMG Guidelines, 2015. Collection method: clinical testing. Allele origin: germline.

PreventionGenetics, part of Exact Sciences
Classification: Benign for TMC8-related condition. Last evaluated: 2023-11-30. Review status: no assertion criteria provided. Collection method: clinical testing. Allele origin: germline. Not counted in ClinVar's aggregate classification.
Comment: This variant is classified as benign based on ACMG/AMP sequence variant interpretation guidelines (Richards et al. 2015 PMID: 25741868, with internal and published modifications).

NM_152468.5(TMC8):c.664C>T (p.Arg222Trp)

Gene: TMC8 (transmembrane channel like 8; plus strand). Cytogenetic location: 17q25.3.
Variant type: single nucleotide variant.
Coding change: c.664C>T on transcript NM_152468.5 (MANE Select); coding-DNA position 664, C replaced by T.
Protein change: p.Arg222Trp; replaces arginine 222 with tryptophan.
Molecular consequence: missense variant.
Genome position (GRCh38, 1-based): chr17:78,133,538, C>T. VCF-style: chr17-78133538-C-T. GRCh37 (hg19) VCF-style: chr17-76129619-C-T.
Other names: short protein forms R222W.
Identifiers: ClinVar variation 526257 (VCV000526257.15), dbSNP rs117156381, ClinGen allele CA8796551.
Genomic context (GRCh38, chr17:78,133,538, plus strand): 5'-CGCCTGGCCTACCTCCTCAGCCCGCTGGCCTGCCTGCTCCTCTGCTTCTGTGGGACTCTG[C>T]GGCGGTGAGAGCGAGGTCCACACCTTCACCCCTTCCCCAGGGAATCTTCCCTGATCACCC-3'
Protein context (NP_689681.2, residues 212-232): CLLLCFCGTL[Arg222Trp]RMVKGLPQKT